The following is an entry in ClinVar:

ClinVar aggregate classification (germline): Uncertain significance. Review status: criteria provided, multiple submitters, no conflicts (2 of 4 stars). 2 submissions from 2 submitters: Uncertain significance (2). Last evaluated 2022-12-12.

Allele frequency attached by ClinVar (database versions not stated): gnomAD exomes below 0.00001; TOPMed 0.00001; gnomAD 0.00003.
gnomAD v4.1: 7 of 1,614,020 alleles (0.00043%); highest among the groups gnomAD compares: African/African-American, 0.008%; no homozygotes.

Submissions (2):

Labcorp Genetics (formerly Invitae), Labcorp
Classification: Uncertain significance. Last evaluated: 2022-12-12. Review status: criteria provided, single submitter. Criteria: Invitae Variant Classification Sherloc (09022015). Collection method: clinical testing. Allele origin: germline.
Comment: This sequence change replaces arginine, which is basic and polar, with serine, which is neutral and polar, at codon 306 of the P2RY12 protein (p.Arg306Ser). This variant is present in population databases (no rsID available, gnomAD 0.01%). In summary, the available evidence is currently insufficient to determine the role of this variant in disease. Therefore, it has been classified as a Variant of Uncertain Significance. Algorithms developed to predict the effect of missense changes on protein structure and function are either unavailable or do not agree on the potential impact of this missense change (SIFT: "Deleterious"; PolyPhen-2: "Benign"; Align-GVGD: "Class C35"). This variant has not been reported in the literature in individuals affected with P2RY12-related conditions.

Ambry Genetics
Classification: Uncertain significance. Last evaluated: 2022-06-09. Review status: criteria provided, single submitter. Criteria: Ambry Variant Classification Scheme 2023. Collection method: clinical testing. Allele origin: germline.

NM_022788.5(P2RY12):c.918A>C (p.Arg306Ser)

Genes: MED12L (mediator complex subunit 12L; plus strand), P2RY12 (purinergic receptor P2Y12; minus strand). Cytogenetic location: 3q25.1.
Variant type: single nucleotide variant.
Coding change: c.918A>C on transcript NM_022788.5 (MANE Select); coding-DNA position 918, A replaced by C.
Protein change: p.Arg306Ser; replaces arginine 306 with serine.
Molecular consequence: missense variant. On other transcripts: intron variant (2).
Genome position (GRCh38, 1-based): chr3:151,337,928, T>G on the plus strand (A>C on the coding strand, the complement: P2RY12 is on the minus strand). VCF-style: chr3-151337928-T-G. GRCh37 (hg19) VCF-style: chr3-151055716-T-G.
Other names: c.918A>C, p.Arg306Ser (NM_176876.3); c.2251-12131T>G (NM_001393769.1); c.2146-12131T>G (NM_053002.6); short protein forms R306S.
Identifiers: ClinVar variation 2294480 (VCV002294480.5), dbSNP rs1448402312, ClinGen allele CA354979767.